The following is an entry in ClinVar:

NM_182961.4(SYNE1):c.3052C>T (p.His1018Tyr)

Gene: SYNE1 (spectrin repeat containing nuclear envelope protein 1; minus strand). Cytogenetic location: 6q25.2.
Variant type: single nucleotide variant.
Coding change: c.3052C>T on transcript NM_182961.4 (MANE Select); coding-DNA position 3052, C replaced by T.
Protein change: p.His1018Tyr; replaces histidine 1018 with tyrosine.
Molecular consequence: missense variant.
Genome position (GRCh38, 1-based): chr6:152,451,181, G>A on the plus strand (C>T on the coding strand, the complement: SYNE1 is on the minus strand). VCF-style: chr6-152451181-G-A. GRCh37 (hg19) VCF-style: chr6-152772316-G-A.
Other names: c.3073C>T, p.His1025Tyr (NM_033071.5); short protein forms H1018Y, H1025Y.
Identifiers: ClinVar variation 5000341 (VCV005000341.1).

ClinVar aggregate classification (germline): Uncertain significance (1 of 4 stars; one submission).

Conditions:
SYNE1-related disorder. Also called: SYNE1-related disorders; SYNE1-related disease; SYNE1-related condition.

Submission:

PreventionGenetics, part of Exact Sciences
Classification: Uncertain significance for SYNE1-related condition. Last evaluated: 2024-11-05. Review status: criteria provided, single submitter. Criteria: ACMG Guidelines, 2015. Collection method: clinical testing. Allele origin: germline.
Comment: The SYNE1 c.3073C>T variant is predicted to result in the amino acid substitution p.His1025Tyr. To our knowledge, this variant has not been reported in the literature or in a large population database (gnomAD), indicating this variant is rare. At this time, the clinical significance of this variant is uncertain due to the absence of conclusive functional and genetic evidence.